The following is an entry in ClinVar:

NM_019842.4(KCNQ5):c.1510G>A (p.Gly504Arg)

Gene: KCNQ5 (potassium voltage-gated channel subfamily Q member 5; plus strand). Cytogenetic location: 6q13.
Variant type: single nucleotide variant.
Coding change: c.1510G>A on transcript NM_019842.4 (MANE Select); coding-DNA position 1510, G replaced by A.
Protein change: p.Gly504Arg; replaces glycine 504 with arginine.
Molecular consequence: missense variant. On other transcripts: intron variant (1).
Genome position (GRCh38, 1-based): chr6:73,169,787, G>A. VCF-style: chr6-73169787-G-A. GRCh37 (hg19) VCF-style: chr6-73879510-G-A.
Other names: c.1483G>A, p.Gly495Arg (NM_001160130.2); c.1540G>A, p.Gly514Arg (NM_001160132.2); c.1567G>A, p.Gly523Arg (NM_001160133.2); c.1248-20786G>A (NM_001160134.2); short protein forms G495R, G523R, G504R, G514R.
Identifiers: ClinVar variation 2840655 (VCV002840655.3), dbSNP rs2533866976, ClinGen allele CA364691356.
Genomic context (GRCh38, chr6:73,169,787, plus strand): 5'-TGGCAATATTCTCTTGCAGCTGACACAGCCCTTGGCACTGATGATGTATATGATGAAAAA[G>A]GATGCCAGTGTGATGTATCAGTGGAAGACCTCACCCCACCACTTAAAACTGTCATTCGAG-3'
Protein context (NP_062816.2, residues 494-514): LGTDDVYDEK[Gly504Arg]CQCDVSVEDL

ClinVar aggregate classification (germline): Uncertain significance (1 of 4 stars; one submission).

Submission:

Labcorp Genetics (formerly Invitae), Labcorp
Classification: Uncertain significance. Last evaluated: 2023-06-24. Review status: criteria provided, single submitter. Criteria: Invitae Variant Classification Sherloc (09022015). Collection method: clinical testing. Allele origin: germline.
Comment: Advanced modeling of protein sequence and biophysical properties (such as structural, functional, and spatial information, amino acid conservation, physicochemical variation, residue mobility, and thermodynamic stability) performed at Invitae indicates that this missense variant is not expected to disrupt KCNQ5 protein function. In summary, the available evidence is currently insufficient to determine the role of this variant in disease. Therefore, it has been classified as a Variant of Uncertain Significance. This sequence change replaces glycine, which is neutral and non-polar, with arginine, which is basic and polar, at codon 523 of the KCNQ5 protein (p.Gly523Arg). This variant is not present in population databases (gnomAD no frequency). This variant has not been reported in the literature in individuals affected with KCNQ5-related conditions.